The following is an entry in ClinVar:

ClinVar aggregate classification (germline): Likely pathogenic (1 of 4 stars; one submission).

Conditions:
Immunodeficiency 51 (IMD51). Also called: CANDIDIASIS, FAMILIAL, 5. Identifiers: Orphanet 1334, MedGen C4310803, MONDO:0013500, OMIM 613953.

Submission:

Labcorp Genetics (formerly Invitae), Labcorp
Classification: Likely pathogenic for Immunodeficiency 51. Last evaluated: 2020-10-15. Review status: criteria provided, single submitter. Criteria: Invitae Variant Classification Sherloc (09022015). Collection method: clinical testing. Allele origin: germline.
Comment: In summary, the currently available evidence indicates that the variant is pathogenic, but additional data are needed to prove that conclusively. Therefore, this variant has been classified as Likely Pathogenic. Donor and acceptor splice site variants typically lead to a loss of protein function (PMID: 16199547), and loss-of-function variants in IL17RA are known to be pathogenic (PMID: 27930337). Algorithms developed to predict the effect of sequence changes on RNA splicing suggest that this variant may disrupt the consensus splice site, but this prediction has not been confirmed by published transcriptional studies. This variant has not been reported in the literature in individuals with IL17RA-related conditions. This variant is not present in population databases (ExAC no frequency). This sequence change affects a donor splice site in intron 2 of the IL17RA gene. It is expected to disrupt RNA splicing and likely results in an absent or disrupted protein product.

Literature cited by the submitters: PubMed 16199547; PubMed 27930337.

NM_014339.7(IL17RA):c.163+2T>C

Gene: IL17RA (interleukin 17 receptor A; plus strand). Cytogenetic location: 22q11.1.
Variant type: single nucleotide variant.
Coding change: c.163+2T>C on transcript NM_014339.7 (MANE Select); the canonical splice donor site of the intron after coding-DNA position 163, T replaced by C.
Molecular consequence: splice donor variant.
Genome position (GRCh38, 1-based): chr22:17,097,088, T>C. VCF-style: chr22-17097088-T-C. GRCh37 (hg19) VCF-style: chr22-17577978-T-C.
Other names: c.163+2T>C (NM_001289905.2).
Identifiers: ClinVar variation 1067524 (VCV001067524.7), dbSNP rs2123797291, ClinGen allele CA410210474.